The following is an entry in ClinVar:

NM_004453.4(ETFDH):c.34+2T>A

Gene: ETFDH (electron transfer flavoprotein dehydrogenase; plus strand). Cytogenetic location: 4q32.1.
Variant type: single nucleotide variant.
Coding change: c.34+2T>A on transcript NM_004453.4 (MANE Select); the canonical splice donor site of the intron after coding-DNA position 34, T replaced by A.
Molecular consequence: splice donor variant.
Genome position (GRCh38, 1-based): chr4:158,672,492, T>A. VCF-style: chr4-158672492-T-A. GRCh37 (hg19) VCF-style: chr4-159593644-T-A.
Other names: c.34+2T>A (NM_001281737.2).
Identifiers: ClinVar variation 3674135 (VCV003674135.2).

ClinVar aggregate classification (germline): Likely pathogenic (1 of 4 stars; one submission).

Conditions:
Multiple acyl-CoA dehydrogenase deficiency (MADD). Also called: ETHYLMALONIC-ADIPICACIDURIA; GA II; Glutaric aciduria, type 2; Glutaric Acidemia type 2; Glutaric acidemia type II; GA 2. Identifiers: Orphanet 26791, MedGen C0268596, MONDO:0009282, OMIM 231680.

gnomAD v4.1: 1 of 1,613,940 alleles (0.000062%); highest among the groups gnomAD compares: Non-Finnish European, 0.000085%; no homozygotes.

Submission:

Labcorp Genetics (formerly Invitae), Labcorp
Classification: Likely pathogenic for Multiple acyl-CoA dehydrogenase deficiency. Last evaluated: 2024-07-22. Review status: criteria provided, single submitter. Criteria: Invitae Variant Classification Sherloc (09022015). Collection method: clinical testing. Allele origin: germline.
Comment: This sequence change affects a donor splice site in intron 1 of the ETFDH gene. It is expected to disrupt RNA splicing. Variants that disrupt the donor or acceptor splice site typically lead to a loss of protein function (PMID: 16199547), and loss-of-function variants in ETFDH are known to be pathogenic (PMID: 16510302, 23785301). This variant is not present in population databases (gnomAD no frequency). This variant has not been reported in the literature in individuals affected with ETFDH-related conditions. Algorithms developed to predict the effect of sequence changes on RNA splicing suggest that this variant may disrupt the consensus splice site. In summary, the currently available evidence indicates that the variant is pathogenic, but additional data are needed to prove that conclusively. Therefore, this variant has been classified as Likely Pathogenic.

Literature cited by the submitters: PubMed 16199547; PubMed 16510302; PubMed 23785301.